The following is an entry in ClinVar:

ClinVar aggregate classification (germline): Pathogenic (1 of 4 stars; one submission).

Submission:

Mayo Clinic Laboratories, Mayo Clinic
Classification: Pathogenic. Last evaluated: 2025-10-13. Review status: criteria provided, single submitter. Criteria: ACMG Guidelines, 2015. Collection method: clinical testing. Allele origin: germline. Observed: 1 variant allele.
Comment: PP4, PM2_supporting, PS1_supporting, PVS1

NM_002734.5(PRKAR1A):c.440+1del

Gene: PRKAR1A (protein kinase cAMP-dependent type I regulatory subunit alpha; plus strand). Cytogenetic location: 17q24.2.
Variant type: Deletion.
Coding change: c.440+1del on transcript NM_002734.5 (MANE Select); the canonical splice donor site of the intron after coding-DNA position 440, one base deleted (G; older notation c.440+1delG).
Molecular consequence: splice donor variant.
Genome position (GRCh38, 1-based): chr17:68,523,817, G deleted; the last of 2 consecutive G bases (chr17:68,523,816-68,523,817); deleting either gives the same sequence. VCF-style (leftmost placement, unchanged base first): chr17-68523815-AG-A. GRCh37 (hg19) VCF-style: chr17-66519956-AG-A.
Other names: p.?; c.440+1del (NM_001278433.2, NM_001369389.1, NM_212471.3 and 4 more transcripts).
Identifiers: ClinVar variation 4542213 (VCV004542213.1).